The following is an entry in ClinVar:

ClinVar aggregate classification (germline): Conflicting classifications of pathogenicity. Review status: criteria provided, conflicting classifications (1 of 4 stars). 3 submissions from 3 submitters: Uncertain significance (2); Likely benign (1). Last evaluated 2024-02-11.

Conditions:
Facioscapulohumeral muscular dystrophy 2 (FSHD2). Also called: MUSCULAR DYSTROPHY, FACIOSCAPULOHUMERAL, TYPE 1B; FACIOSCAPULOHUMERAL MUSCULAR DYSTROPHY 2, DIGENIC; FSHD2, DIGENIC. Identifiers: Orphanet 269, MedGen C1834671, MONDO:0008031, OMIM 158901.

gnomAD v4.1: 13 of 1,594,894 alleles (0.00082%); highest among the groups gnomAD compares: Non-Finnish European, 0.001%; no homozygotes.

Submissions (3):

Labcorp Genetics (formerly Invitae), Labcorp
Classification: Uncertain significance for Facioscapulohumeral muscular dystrophy 2. Last evaluated: 2024-02-11. Review status: criteria provided, single submitter. Criteria: Invitae Variant Classification Sherloc (09022015). Collection method: clinical testing. Allele origin: germline.
Comment: This sequence change replaces asparagine, which is neutral and polar, with histidine, which is basic and polar, at codon 882 of the SMCHD1 protein (p.Asn882His). This variant is present in population databases (rs746483578, gnomAD 0.004%). This variant has not been reported in the literature in individuals affected with SMCHD1-related conditions. Advanced modeling of protein sequence and biophysical properties (such as structural, functional, and spatial information, amino acid conservation, physicochemical variation, residue mobility, and thermodynamic stability) performed at Invitae indicates that this missense variant is not expected to disrupt SMCHD1 protein function with a negative predictive value of 80%. In summary, the available evidence is currently insufficient to determine the role of this variant in disease. Therefore, it has been classified as a Variant of Uncertain Significance.

Revvity Omics, Revvity
Classification: Uncertain significance. Last evaluated: 2023-11-14. Review status: criteria provided, single submitter. Criteria: ACMG Guidelines, 2015. Collection method: clinical testing. Allele origin: germline.

Blueprint Genetics
Classification: Likely benign. Last evaluated: 2023-10-23. Review status: criteria provided, single submitter. Criteria: ACMG Guidelines, 2015. Collection method: clinical testing. Allele origin: germline.

NM_015295.3(SMCHD1):c.2644A>C (p.Asn882His)

Gene: SMCHD1 (structural maintenance of chromosomes flexible hinge domain containing 1; plus strand). Cytogenetic location: 18p11.32.
Variant type: single nucleotide variant.
Coding change: c.2644A>C on transcript NM_015295.3 (MANE Select); coding-DNA position 2644, A replaced by C.
Protein change: p.Asn882His; replaces asparagine 882 with histidine.
Molecular consequence: missense variant.
Genome position (GRCh38, 1-based): chr18:2,724,939, A>C. VCF-style: chr18-2724939-A-C. GRCh37 (hg19) VCF-style: chr18-2724937-A-C.
Other names: c.2644A>C (NM_015295.2); short protein forms N882H.
Identifiers: ClinVar variation 3633017 (VCV003633017.4).